The following is an entry in ClinVar:

NM_199355.4(ADAMTS18):c.883G>A (p.Val295Met)

Gene: ADAMTS18 (ADAM metallopeptidase with thrombospondin type 1 motif 18; minus strand). Cytogenetic location: 16q23.1.
Variant type: single nucleotide variant.
Coding change: c.883G>A on transcript NM_199355.4 (MANE Select); coding-DNA position 883, G replaced by A.
Protein change: p.Val295Met; replaces valine 295 with methionine.
Molecular consequence: missense variant.
Genome position (GRCh38, 1-based): chr16:77,364,277, C>T on the plus strand (G>A on the coding strand, the complement: ADAMTS18 is on the minus strand). VCF-style: chr16-77364277-C-T. GRCh37 (hg19) VCF-style: chr16-77398174-C-T.
Other names: c.367G>A, p.Val123Met (NM_001326358.2); short protein forms V123M, V295M.
Identifiers: ClinVar variation 1360357 (VCV001360357.6), dbSNP rs1008571197, ClinGen allele CA396836755.

ClinVar aggregate classification (germline): Uncertain significance (1 of 4 stars; one submission).

Allele frequency attached by ClinVar (database versions not stated): gnomAD exomes 0.00001.

Submission:

Labcorp Genetics (formerly Invitae), Labcorp
Classification: Uncertain significance. Last evaluated: 2022-11-22. Review status: criteria provided, single submitter. Criteria: Invitae Variant Classification Sherloc (09022015). Collection method: clinical testing. Allele origin: germline.
Comment: Algorithms developed to predict the effect of missense changes on protein structure and function are either unavailable or do not agree on the potential impact of this missense change (SIFT: "Not Available"; PolyPhen-2: "Probably Damaging"; Align-GVGD: "Not Available"). In summary, the available evidence is currently insufficient to determine the role of this variant in disease. Therefore, it has been classified as a Variant of Uncertain Significance. This sequence change replaces valine with methionine at codon 295 of the ADAMTS18 protein (p.Val295Met). The valine residue is highly conserved and there is a small physicochemical difference between valine and methionine. This variant is not present in population databases (gnomAD no frequency). This variant has not been reported in the literature in individuals affected with ADAMTS18-related conditions. ClinVar contains an entry for this variant (Variation ID: 1360357).